The following is an entry in ClinVar:

ClinVar aggregate classification (germline): Pathogenic/Likely pathogenic. Review status: criteria provided, multiple submitters, no conflicts (2 of 4 stars). 2 submissions from 2 submitters: Pathogenic (1); Likely pathogenic (1). Last evaluated 2023-05-15.

Conditions:
PROM1-related disorder. Also called: PROM1-related disorders; PROM1-related condition.

Submissions (2):

Labcorp Genetics (formerly Invitae), Labcorp
Classification: Pathogenic. Last evaluated: 2023-05-15. Review status: criteria provided, single submitter. Criteria: Invitae Variant Classification Sherloc (09022015). Collection method: clinical testing. Allele origin: germline.
Comment: This variant has not been reported in the literature in individuals affected with PROM1-related conditions. For these reasons, this variant has been classified as Pathogenic. Algorithms developed to predict the effect of sequence changes on RNA splicing suggest that this variant may disrupt the consensus splice site. ClinVar contains an entry for this variant (Variation ID: 1075674). This variant is not present in population databases (gnomAD no frequency). This sequence change creates a premature translational stop signal (p.Lys769*) in the PROM1 gene. It is expected to result in an absent or disrupted protein product. Loss-of-function variants in PROM1 are known to be pathogenic (PMID: 17605048, 19718270, 24154662, 25474345).

Blueprint Genetics
Classification: Likely pathogenic for PROM1-related disorders. Last evaluated: 2022-03-01. Review status: criteria provided, single submitter. Criteria: ACMG Guidelines, 2015. Collection method: clinical testing. Allele origin: germline. Affected: yes. Observed: 2 variant alleles.

Literature cited by the submitters: PubMed 17605048 (cited by Labcorp Genetics (formerly Invitae), Labcorp); PubMed 19718270 (cited by Labcorp Genetics (formerly Invitae), Labcorp); PubMed 24154662 (cited by Labcorp Genetics (formerly Invitae), Labcorp); PubMed 25474345 (cited by Labcorp Genetics (formerly Invitae), Labcorp).

NM_006017.3(PROM1):c.2305A>T (p.Lys769Ter)

Gene: PROM1 (prominin 1; minus strand). Cytogenetic location: 4p15.32.
Variant type: single nucleotide variant.
Coding change: c.2305A>T on transcript NM_006017.3 (MANE Select); coding-DNA position 2305, A replaced by T.
Protein change: p.Lys769Ter; replaces lysine 769 with a stop codon.
Molecular consequence: nonsense.
Genome position (GRCh38, 1-based): chr4:15,984,331, T>A on the plus strand (A>T on the coding strand, the complement: PROM1 is on the minus strand). VCF-style: chr4-15984331-T-A. GRCh37 (hg19) VCF-style: chr4-15985954-T-A.
Other names: c.2278A>T, p.Lys760Ter (NM_001145847.2, NM_001145848.2, NM_001145851.2 and 4 more transcripts); c.2305A>T, p.Lys769Ter (NM_001145849.2, NM_001145850.2); short protein forms K760*, K769*.
Identifiers: ClinVar variation 1075674 (VCV001075674.8), dbSNP rs2149068325, ClinGen allele CA356427077.
Genomic context (GRCh38, chr4:15,984,331, plus strand): 5'-CGATAATGTAGCTACACAGAAAGACATCAACAGCAGTATCTAGAGCGGTGGCCACAGGTT[T>A]GCACGATGCCACTTTCTCACTGATCTAGGGGGGTGGAAACACAGGGAAACTTTGAGCTGC-3'